The following is an entry in ClinVar:

ClinVar aggregate classification (germline): Uncertain significance. Review status: criteria provided, multiple submitters, no conflicts (2 of 4 stars). 2 submissions from 2 submitters: Uncertain significance (2). Last evaluated 2024-01-08.

Conditions:
Familial hemophagocytic lymphohistiocytosis 2 (FHL2). Also called: PRF1-Related Familial Hemophagocytic Lymphohistiocytosis (PRF1-fHLH). Identifiers: Orphanet 540, MedGen C1863727, MONDO:0011337, OMIM 603553.

Allele frequency attached by ClinVar (database versions not stated): ExAC 0.00002; gnomAD 0.00002; TOPMed 0.00003; gnomAD exomes 0.00004.
gnomAD v4.1: 60 of 1,613,930 alleles (0.0037%); highest among the groups gnomAD compares: Non-Finnish European, 0.0047%; no homozygotes.

Submissions (2):

St. Jude Molecular Pathology, St. Jude Children's Research Hospital
Classification: Uncertain significance for Familial hemophagocytic lymphohistiocytosis 2. Last evaluated: 2024-01-08. Review status: criteria provided, single submitter. Criteria: St. Jude Assertion Criteria 2020. Collection method: clinical testing. Allele origin: germline.
Comment: The PRF1 c.530G>A (p.Arg177His) missense change has a maximum subpopulation frequency of 0.0050% in gnomAD v2.1.1. The in silico tool REVEL predicts a benign effect on protein function, but this prediction has not been confirmed by functional studies. This variant has not been reported in individuals with familial hemophagocytic lymphohistiocytosis. In summary, the evidence currently available is insufficient to determine the clinical significance of this variant. It has therefore been classified as of uncertain significance.

Labcorp Genetics (formerly Invitae), Labcorp
Classification: Uncertain significance for Familial hemophagocytic lymphohistiocytosis 2. Last evaluated: 2022-10-13. Review status: criteria provided, single submitter. Criteria: Invitae Variant Classification Sherloc (09022015). Collection method: clinical testing. Allele origin: germline.
Comment: This sequence change replaces arginine, which is basic and polar, with histidine, which is basic and polar, at codon 177 of the PRF1 protein (p.Arg177His). This variant is present in population databases (rs774503938, gnomAD 0.005%). This variant has not been reported in the literature in individuals affected with PRF1-related conditions. Algorithms developed to predict the effect of missense changes on protein structure and function output the following: SIFT: "Tolerated"; PolyPhen-2: "Benign"; Align-GVGD: "Class C0". The histidine amino acid residue is found in multiple mammalian species, which suggests that this missense change does not adversely affect protein function. In summary, the available evidence is currently insufficient to determine the role of this variant in disease. Therefore, it has been classified as a Variant of Uncertain Significance.

NM_001083116.3(PRF1):c.530G>A (p.Arg177His)

Gene: PRF1 (perforin 1; minus strand). Cytogenetic location: 10q22.1.
Variant type: single nucleotide variant.
Coding change: c.530G>A on transcript NM_001083116.3 (MANE Select); coding-DNA position 530, G replaced by A.
Protein change: p.Arg177His; replaces arginine 177 with histidine.
Molecular consequence: missense variant.
Genome position (GRCh38, 1-based): chr10:70,600,373, C>T on the plus strand (G>A on the coding strand, the complement: PRF1 is on the minus strand). VCF-style: chr10-70600373-C-T. GRCh37 (hg19) VCF-style: chr10-72360129-C-T.
Other names: c.530G>A, p.Arg177His (NM_005041.6); c.530G>A (NM_005041.5); short protein forms R177H.
Identifiers: ClinVar variation 1979334 (VCV001979334.2), dbSNP rs774503938, ClinGen allele CA5539013.